The following is an entry in ClinVar:

NM_000261.2(MYOC):c.1214A>G (p.Lys405Arg)

Gene: MYOC (myocilin; minus strand). Cytogenetic location: 1q24.3.
Variant type: single nucleotide variant.
Coding change: c.1214A>G on transcript NM_000261.2 (MANE Select); coding-DNA position 1214, A replaced by G.
Protein change: p.Lys405Arg; replaces lysine 405 with arginine.
Molecular consequence: missense variant.
Genome position (GRCh38, 1-based): chr1:171,636,226, T>C on the plus strand (A>G on the coding strand, the complement: MYOC is on the minus strand). VCF-style: chr1-171636226-T-C. GRCh37 (hg19) VCF-style: chr1-171605366-T-C.
Other names: short protein forms K405R.
Identifiers: ClinVar variation 3776634 (VCV003776634.1).

ClinVar aggregate classification (germline): Uncertain significance (1 of 4 stars; one submission).

Submission:

GeneDx
Classification: Uncertain significance. Last evaluated: 2024-10-03. Review status: criteria provided, single submitter. Criteria: GeneDx Variant Classification Process June 2021. Collection method: clinical testing. Allele origin: germline. Affected: yes.
Comment: Not observed at significant frequency in large population cohorts (gnomAD); In silico analysis indicates that this missense variant does not alter protein structure/function; Has not been previously published as pathogenic or benign to our knowledge